The following is an entry in ClinVar:

ClinVar aggregate classification (germline): Uncertain significance (1 of 4 stars; one submission).

Allele frequency attached by ClinVar (database versions not stated): TOPMed 0.00001; ExAC 0.00002; ESP Exome Variant Server 0.00008.
gnomAD v4.1: 112 of 1,614,124 alleles (0.0069%); highest among the groups gnomAD compares: Non-Finnish European, 0.0095%; no homozygotes.

Submission:

CeGaT Center for Human Genetics Tuebingen
Classification: Uncertain significance. Last evaluated: 2024-02-01. Review status: criteria provided, single submitter. Criteria: CeGaT Center For Human Genetics Tuebingen Variant Classification Criteria Version 2. Collection method: clinical testing. Allele origin: germline. Affected: yes. Observed: 1 variant allele.
Comment: CAPN12: PM2, PS4:Supporting

NM_144691.4(CAPN12):c.514C>T (p.Gln172Ter)

Gene: CAPN12 (calpain 12; minus strand). Cytogenetic location: 19q13.2.
Variant type: single nucleotide variant.
Coding change: c.514C>T on transcript NM_144691.4 (MANE Select); coding-DNA position 514, C replaced by T.
Protein change: p.Gln172Ter; replaces glutamine 172 with a stop codon.
Molecular consequence: nonsense.
Genome position (GRCh38, 1-based): chr19:38,741,823, G>A on the plus strand (C>T on the coding strand, the complement: CAPN12 is on the minus strand). VCF-style: chr19-38741823-G-A. GRCh37 (hg19) VCF-style: chr19-39232463-G-A.
Other names: short protein forms Q172*.
Identifiers: ClinVar variation 3026024 (VCV003026024.22), dbSNP rs201752001, ClinGen allele CA9419174.